The following is an entry in ClinVar:

NM_025074.7(FRAS1):c.664_666del (p.Ser222del)

Gene: FRAS1 (Fraser extracellular matrix complex subunit 1; plus strand). Cytogenetic location: 4q21.21.
Variant type: Deletion.
Coding change: c.664_666del on transcript NM_025074.7 (MANE Select); coding-DNA positions 664 to 666, 3 bases deleted (TCT; older notation c.664_666delTCT).
Protein change: p.Ser222del; deletes serine 222.
Molecular consequence: inframe deletion.
Genome position (GRCh38, 1-based): chr4:78,265,085-78,265,087, TCT deleted. VCF-style (leftmost placement, unchanged base first): chr4-78265084-CTCT-C. GRCh37 (hg19) VCF-style: chr4-79186238-CTCT-C.
Other names: c.664_666del, p.Ser222del (NM_001166133.2); short protein forms S222del.
Identifiers: ClinVar variation 2037879 (VCV002037879.1), dbSNP rs1726285933, ClinGen allele CA1470450816.

ClinVar aggregate classification (germline): Uncertain significance (1 of 4 stars; one submission).

Allele frequency attached by ClinVar (database versions not stated): TOPMed 0.00002.

Submission:

Labcorp Genetics (formerly Invitae), Labcorp
Classification: Uncertain significance. Last evaluated: 2022-03-17. Review status: criteria provided, single submitter. Criteria: Invitae Variant Classification Sherloc (09022015). Collection method: clinical testing. Allele origin: germline.
Comment: This variant, c.664_666del, results in the deletion of 1 amino acid(s) of the FRAS1 protein (p.Ser222del), but otherwise preserves the integrity of the reading frame. This variant is not present in population databases (gnomAD no frequency). This variant has not been reported in the literature in individuals affected with FRAS1-related conditions. Experimental studies and prediction algorithms are not available or were not evaluated, and the functional significance of this variant is currently unknown. In summary, the available evidence is currently insufficient to determine the role of this variant in disease. Therefore, it has been classified as a Variant of Uncertain Significance.